The following is an entry in ClinVar:

ClinVar aggregate classification (germline): Uncertain significance (1 of 4 stars; one submission).

Conditions:
Ataxia-telangiectasia syndrome (AT). Also called: Ataxia-telangiectasia, complementation group D; AT, COMPLEMENTATION GROUP C; Ataxia-telangiectasia; Ataxia telangiectasia (A-T); LOUIS-BAR SYNDROME; Cerebello-oculocutaneous telangiectasia. Identifiers: Orphanet 100, MedGen C0004135, MONDO:0008840, OMIM 208900.

Submission:

Labcorp Genetics (formerly Invitae), Labcorp
Classification: Uncertain significance for Ataxia-telangiectasia syndrome. Last evaluated: 2025-07-09. Review status: criteria provided, single submitter. Criteria: Invitae Variant Classification Sherloc (09022015). Collection method: clinical testing. Allele origin: germline.
Comment: This sequence change replaces leucine, which is neutral and non-polar, with phenylalanine, which is neutral and non-polar, at codon 544 of the ATM protein (p.Leu544Phe). This variant is not present in population databases (gnomAD no frequency). This variant has not been reported in the literature in individuals affected with ATM-related conditions. Invitae Evidence Modeling of protein sequence and biophysical properties (such as structural, functional, and spatial information, amino acid conservation, physicochemical variation, residue mobility, and thermodynamic stability) indicates that this missense variant is not expected to disrupt ATM protein function with a negative predictive value of 95%. In summary, the available evidence is currently insufficient to determine the role of this variant in disease. Therefore, it has been classified as a Variant of Uncertain Significance.

NM_000051.4(ATM):c.1632G>C (p.Leu544Phe)

Gene: ATM (ATM serine/threonine kinase; plus strand). Cytogenetic location: 11q22.3.
Variant type: single nucleotide variant.
Coding change: c.1632G>C on transcript NM_000051.4 (MANE Select); coding-DNA position 1632, G replaced by C.
Protein change: p.Leu544Phe; replaces leucine 544 with phenylalanine.
Molecular consequence: missense variant.
Genome position (GRCh38, 1-based): chr11:108,251,861, G>C. VCF-style: chr11-108251861-G-C. GRCh37 (hg19) VCF-style: chr11-108122588-G-C.
Other names: c.1632G>C, p.Leu544Phe (NM_001351834.2); short protein forms L544F.
Identifiers: ClinVar variation 4747175 (VCV004747175.1).